The following is an entry in ClinVar:

NM_177531.6(PKHD1L1):c.11125G>A (p.Gly3709Arg)

Gene: PKHD1L1 (PKHD1 like 1; plus strand). Cytogenetic location: 8q23.2.
Variant type: single nucleotide variant.
Coding change: c.11125G>A on transcript NM_177531.6 (MANE Select); coding-DNA position 11125, G replaced by A.
Protein change: p.Gly3709Arg; replaces glycine 3709 with arginine.
Molecular consequence: missense variant.
Genome position (GRCh38, 1-based): chr8:109,507,793, G>A. VCF-style: chr8-109507793-G-A. GRCh37 (hg19) VCF-style: chr8-110520022-G-A.
Other names: short protein forms G3709R.
Identifiers: ClinVar variation 4990287 (VCV004990287.1).

ClinVar aggregate classification (germline): Uncertain significance (1 of 4 stars; one submission).

Conditions:
PKHD1L1-related disorder. Also called: PKHD1L1-related condition.

gnomAD v4.1: 1,277 of 1,613,416 alleles (0.079%); highest among the groups gnomAD compares: Non-Finnish European, 0.1%; no homozygotes.

Submission:

PreventionGenetics, part of Exact Sciences
Classification: Uncertain significance for PKHD1L1-related condition. Last evaluated: 2025-08-20. Review status: criteria provided, single submitter. Criteria: ACMG Guidelines, 2015. Collection method: clinical testing. Allele origin: germline.
Comment: The PKHD1L1 c.11125G>A variant is predicted to result in the amino acid substitution p.Gly3709Arg. To our knowledge, this variant has not been reported in the literature. This variant is reported in 0.074% of alleles in individuals of European (Non-Finnish) descent in gnomAD. Although we suspect that this variant may be benign, at this time, the clinical significance of this variant is uncertain due to the absence of conclusive functional and genetic evidence.